The following is an entry in ClinVar:

ClinVar aggregate classification (germline): Pathogenic. Review status: reviewed by expert panel (3 of 4 stars). 2 submissions from 2 submitters: Pathogenic (1). 1 of the submissions does not count toward it. Last evaluated 2017-12-15.

Conditions:
Breast-ovarian cancer, familial, susceptibility to, 2 (BROVCA2). Also called: BRCA2 Hereditary Breast and Ovarian Cancer. Identifiers: Orphanet 145, MedGen C2675520, MONDO:0012933, OMIM 612555. Disease mechanism: loss of function.
Hereditary cancer-predisposing syndrome. Also called: Hereditary Cancer Syndrome; Hereditary neoplastic syndrome; Tumor predisposition; Neoplastic Syndromes, Hereditary. Identifiers: Orphanet 140162, MedGen C0027672, MeSH D009386, MONDO:0015356.

Submissions (2):

Evidence-based Network for the Interpretation of Germline Mutant Alleles (ENIGMA)
Classification: Pathogenic for Breast-ovarian cancer, familial, susceptibility to, 2. Last evaluated: 2017-12-15. Review status: reviewed by expert panel. Criteria: ENIGMA BRCA1/2 Classification Criteria (2017-06-29). Collection method: curation. Allele origin: germline. Study: ENIGMA.
Comment: Variant allele predicted to encode a truncated non-functional protein.

Ambry Genetics
Classification: Pathogenic for Hereditary cancer-predisposing syndrome. Last evaluated: 2024-06-21. Review status: criteria provided, single submitter. Criteria: Ambry Variant Classification Scheme 2023. Collection method: clinical testing. Allele origin: germline. Not counted in ClinVar's aggregate classification.
Comment: The c.5551delA pathogenic mutation, located in coding exon 10 of the BRCA2 gene, results from a deletion of one nucleotide at position 5551, causing a translational frameshift with a predicted alternate stop codon. This variant is considered to be rare based on population cohorts in the Genome Aggregation Database (gnomAD). This alteration is expected to result in loss of function by premature protein truncation or nonsense-mediated mRNA decay. As such, this alteration is interpreted as a disease-causing mutation.

NM_000059.4(BRCA2):c.5551del (p.Ile1851fs)

Gene: BRCA2 (BRCA2 DNA repair associated; plus strand). Cytogenetic location: 13q13.1.
Variant type: Deletion.
Coding change: c.5551del on transcript NM_000059.4 (MANE Select); coding-DNA position 5551, one base deleted (A; older notation c.5551delA).
Protein change: p.Ile1851fs; shifts the reading frame from isoleucine 1851.
Molecular consequence: frameshift variant.
Genome position (GRCh38, 1-based): chr13:32,339,906, A deleted; the last of 4 consecutive A bases (chr13:32,339,903-32,339,906); deleting any one gives the same sequence. VCF-style (leftmost placement, unchanged base first): chr13-32339902-TA-T. GRCh37 (hg19) VCF-style: chr13-32914039-TA-T.
Other names: c.5551delA (NM_000059.3); short protein forms I1851fs.
Identifiers: ClinVar variation 441413 (VCV000441413.6), dbSNP rs886040594, ClinGen allele CA658653678.